The following is an entry in ClinVar:

ClinVar aggregate classification (germline): Pathogenic (1 of 4 stars; one submission).

Submission:

Labcorp Genetics (formerly Invitae), Labcorp
Classification: Pathogenic. Last evaluated: 2023-08-31. Review status: criteria provided, single submitter. Criteria: Invitae Variant Classification Sherloc (09022015). Collection method: clinical testing. Allele origin: unknown.
Comment: For these reasons, this variant has been classified as Pathogenic. This variant has not been reported in the literature in individuals affected with PEPD-related conditions. This variant is a gross deletion of the genomic region encompassing exon(s) 4 of the PEPD gene. This deletion is out-of-frame, and is expected to create a premature termination codon and result in an absent or disrupted protein product. Loss-of-function variants in PEPD are known to be pathogenic (PMID: 8198124, 10721675, 12384772, 17142620).

Literature cited by the submitters: PubMed 8198124; PubMed 10721675; PubMed 12384772; PubMed 17142620.

NC_000019.9:g.(?_33991824)_(33991927_?)del

Gene: PEPD (peptidase D; minus strand). Cytogenetic location: 19q13.11.
Variant type: Deletion.
Identifiers: ClinVar variation 3242632 (VCV003242632.1).